The following is an entry in ClinVar:

ClinVar aggregate classification (germline): Uncertain significance (1 of 4 stars; one submission).

Conditions:
Familial hemiplegic migraine. Identifiers: MedGen C0338484, MONDO:0000700.

Submission:

Labcorp Genetics (formerly Invitae), Labcorp
Classification: Uncertain significance for Familial hemiplegic migraine. Last evaluated: 2024-02-16. Review status: criteria provided, single submitter. Criteria: Invitae Variant Classification Sherloc (09022015). Collection method: clinical testing. Allele origin: germline.
Comment: This sequence change replaces arginine, which is basic and polar, with proline, which is neutral and non-polar, at codon 7 of the ATP1A2 protein (p.Arg7Pro). This variant is not present in population databases (gnomAD no frequency). This missense change has been observed in individual(s) with clinical features of ATP1A2-related conditions (Invitae). ClinVar contains an entry for this variant (Variation ID: 1503799). Advanced modeling of protein sequence and biophysical properties (such as structural, functional, and spatial information, amino acid conservation, physicochemical variation, residue mobility, and thermodynamic stability) has been performed at Invitae for this missense variant, however the output from this modeling did not meet the statistical confidence thresholds required to predict the impact of this variant on ATP1A2 protein function. In summary, the available evidence is currently insufficient to determine the role of this variant in disease. Therefore, it has been classified as a Variant of Uncertain Significance.

NM_000702.4(ATP1A2):c.20G>C (p.Arg7Pro)

Gene: ATP1A2 (ATPase Na+/K+ transporting subunit alpha 2; plus strand). Cytogenetic location: 1q23.2.
Variant type: single nucleotide variant.
Coding change: c.20G>C on transcript NM_000702.4 (MANE Select); coding-DNA position 20, G replaced by C.
Protein change: p.Arg7Pro; replaces arginine 7 with proline.
Molecular consequence: missense variant.
Genome position (GRCh38, 1-based): chr1:160,120,913, G>C. VCF-style: chr1-160120913-G-C. GRCh37 (hg19) VCF-style: chr1-160090703-G-C.
Other names: short protein forms R7P.
Identifiers: ClinVar variation 1503799 (VCV001503799.8), dbSNP rs764755889, ClinGen allele CA343226917.